The following is an entry in ClinVar:

ClinVar aggregate classification (germline): Uncertain significance (1 of 4 stars; one submission).

Conditions:
Cardiovascular phenotype. Identifiers: MedGen CN230736.

Submission:

Ambry Genetics
Classification: Uncertain significance for Cardiovascular phenotype. Last evaluated: 2021-11-02. Review status: criteria provided, single submitter. Criteria: Ambry Variant Classification Scheme 2023. Collection method: clinical testing. Allele origin: germline.
Comment: The p.K464R variant (also known as c.1391A>G), located in coding exon 11 of the VCL gene, results from an A to G substitution at nucleotide position 1391. The lysine at codon 464 is replaced by arginine, an amino acid with highly similar properties. This amino acid position is highly conserved in available vertebrate species. In addition, this alteration is predicted to be tolerated by in silico analysis. Since supporting evidence is limited at this time, the clinical significance of this alteration remains unclear.

NM_014000.3(VCL):c.1391A>G (p.Lys464Arg)

Gene: VCL (vinculin; plus strand). Cytogenetic location: 10q22.2.
Variant type: single nucleotide variant.
Coding change: c.1391A>G on transcript NM_014000.3 (MANE Select); coding-DNA position 1391, A replaced by G.
Protein change: p.Lys464Arg; replaces lysine 464 with arginine.
Molecular consequence: missense variant.
Genome position (GRCh38, 1-based): chr10:74,094,309, A>G. VCF-style: chr10-74094309-A-G. GRCh37 (hg19) VCF-style: chr10-75854067-A-G.
Other names: c.1391A>G, p.Lys464Arg (NM_003373.4); short protein forms K464R.
Identifiers: ClinVar variation 1771557 (VCV001771557.2), dbSNP rs2549225289, ClinGen allele CA377273713.